The following is an entry in ClinVar:

ClinVar aggregate classification (germline): Uncertain significance (1 of 4 stars; one submission).

Conditions:
Hereditary spastic paraplegia 43. Also called: Spastic paraplegia 43, autosomal recessive. Identifiers: Orphanet 320370, MedGen C2680446, MONDO:0014024, OMIM 615043.

gnomAD v4.1: 1 of 1,613,844 alleles (0.000062%); highest among the groups gnomAD compares: Non-Finnish European, 0.000085%; no homozygotes.

Submission:

Labcorp Genetics (formerly Invitae), Labcorp
Classification: Uncertain significance for Hereditary spastic paraplegia 43. Last evaluated: 2022-07-21. Review status: criteria provided, single submitter. Criteria: Invitae Variant Classification Sherloc (09022015). Collection method: clinical testing. Allele origin: germline.
Comment: Algorithms developed to predict the effect of missense changes on protein structure and function (SIFT, PolyPhen-2, Align-GVGD) all suggest that this variant is likely to be tolerated. In summary, the available evidence is currently insufficient to determine the role of this variant in disease. Therefore, it has been classified as a Variant of Uncertain Significance. This variant has not been reported in the literature in individuals affected with C19orf12-related conditions. This variant is not present in population databases (gnomAD no frequency). This sequence change replaces alanine, which is neutral and non-polar, with aspartic acid, which is acidic and polar, at codon 127 of the C19orf12 protein (p.Ala127Asp).

NM_031448.6(C19orf12):c.347C>A (p.Ala116Asp)

Gene: C19orf12 (chromosome 19 open reading frame 12; minus strand). Cytogenetic location: 19q12.
Variant type: single nucleotide variant.
Coding change: c.347C>A on transcript NM_031448.6 (MANE Select); coding-DNA position 347, C replaced by A.
Protein change: p.Ala116Asp; replaces alanine 116 with aspartic acid.
Molecular consequence: missense variant.
Genome position (GRCh38, 1-based): chr19:29,702,791, G>T on the plus strand (C>A on the coding strand, the complement: C19orf12 is on the minus strand). VCF-style: chr19-29702791-G-T. GRCh37 (hg19) VCF-style: chr19-30193698-G-T.
Other names: c.347C>A, p.Ala116Asp (NM_001031726.4, NM_001256047.2); c.292C>A, p.Pro98Thr (NM_001256046.3); c.155C>A, p.Ala52Asp (NM_001282929.1, NM_001282930.3, NM_001282931.3); short protein forms A52D, A116D, P98T.
Identifiers: ClinVar variation 2195733 (VCV002195733.3), dbSNP rs1972171696, ClinGen allele CA405142606.